The following is an entry in ClinVar:

NM_001035.3(RYR2):c.4459A>G (p.Met1487Val)

Gene: RYR2 (ryanodine receptor 2; plus strand). Cytogenetic location: 1q43.
Variant type: single nucleotide variant.
Coding change: c.4459A>G on transcript NM_001035.3 (MANE Select); coding-DNA position 4459, A replaced by G.
Protein change: p.Met1487Val; replaces methionine 1487 with valine.
Molecular consequence: missense variant.
Genome position (GRCh38, 1-based): chr1:237,595,520, A>G. VCF-style: chr1-237595520-A-G. GRCh37 (hg19) VCF-style: chr1-237758820-A-G.
Other names: c.4459A>G (NM_001035.2); short protein forms M1487V.
Identifiers: ClinVar variation 925065 (VCV000925065.16), dbSNP rs1278512393, ClinGen allele CA345400152.

ClinVar aggregate classification (germline): Uncertain significance. Review status: criteria provided, multiple submitters, no conflicts (2 of 4 stars). 5 submissions from 5 submitters: Uncertain significance (5). Last evaluated 2025-05-06.

Conditions:
Cardiovascular phenotype. Identifiers: MedGen CN230736.
Catecholaminergic polymorphic ventricular tachycardia (CVPT). Also called: Catecholamine-induced polymorphic ventricular tachycardia. Identifiers: Orphanet 3286, MedGen C5574922, MONDO:0017990.
Catecholaminergic polymorphic ventricular tachycardia 1. Also called: VENTRICULAR TACHYCARDIA, CATECHOLAMINERGIC POLYMORPHIC, 1, WITH OR WITHOUT ATRIAL DYSFUNCTION AND/OR DILATED CARDIOMYOPATHY; RYR2-Related Catecholaminergic Polymorphic Ventricular Tachycardia; VENTRICULAR TACHYCARDIA, STRESS-INDUCED POLYMORPHIC 1. Identifiers: Orphanet 3286, MedGen C1631597, MONDO:0011484, OMIM 604772.
Cardiomyopathy (CMYO). Also called: Cardiomyopathies. Identifiers: Orphanet 167848, MedGen C0878544, MONDO:0004994, HP:0001638. Inheritance: Various modes of inheritance.

Allele frequency attached by ClinVar (database versions not stated): gnomAD exomes below 0.00001.

Submissions (5):

GeneDx
Classification: Uncertain significance. Last evaluated: 2025-05-06. Review status: criteria provided, single submitter. Criteria: GeneDx Variant Classification Process June 2021. Collection method: clinical testing. Allele origin: germline. Affected: yes.
Comment: Not observed at significant frequency in large population cohorts (gnomAD); In silico analysis supports that this missense variant has a deleterious effect on protein structure/function; Has not been previously published as pathogenic or benign to our knowledge; Not located in one of the three hot-spot regions of the RYR2 gene, where the majority of pathogenic missense variants occur (PMID: 19926015); This variant is associated with the following publications: (PMID: 19926015)

Color Diagnostics, LLC DBA Color Health
Classification: Uncertain significance for Cardiomyopathy. Last evaluated: 2024-03-06. Review status: criteria provided, single submitter. Criteria: ACMG Guidelines, 2015. Collection method: clinical testing. Allele origin: germline.
Comment: This missense variant replaces methionine with valine at codon 1487 of the RYR2 protein. Computational prediction suggests that this variant may not impact protein structure and function (internally defined REVEL score threshold <= 0.5, PMID: 27666373). To our knowledge, functional studies have not been reported for this variant. This variant has not been reported in individuals affected with RYR2-related disorders in the literature. This variant has been identified in 1/247292 chromosomes in the general population by the Genome Aggregation Database (gnomAD). The available evidence is insufficient to determine the role of this variant in disease conclusively. Therefore, this variant is classified as a Variant of Uncertain Significance.

Ambry Genetics
Classification: Uncertain significance for Cardiovascular phenotype. Last evaluated: 2023-09-01. Review status: criteria provided, single submitter. Criteria: Ambry Variant Classification Scheme 2023. Collection method: clinical testing. Allele origin: germline.
Comment: The p.M1487V variant (also known as c.4459A>G), located in coding exon 34 of the RYR2 gene, results from an A to G substitution at nucleotide position 4459. The methionine at codon 1487 is replaced by valine, an amino acid with highly similar properties. This amino acid position is highly conserved in available vertebrate species. In addition, the in silico prediction for this alteration is inconclusive. Since supporting evidence is limited at this time, the clinical significance of this alteration remains unclear.

All of Us Research Program, National Institutes of Health
Classification: Uncertain significance for Catecholaminergic polymorphic ventricular tachycardia. Last evaluated: 2023-06-28. Review status: criteria provided, single submitter. Criteria: ACMG Guidelines, 2015. Collection method: clinical testing. Allele origin: germline. Inheritance: Autosomal dominant inheritance. Observed: 2 variant alleles, 2 heterozygotes.
Comment: This missense variant replaces methionine with valine at codon 1487 of the RYR2 protein. Computational prediction tools and conservation analyses are inconclusive regarding the impact of this variant on the protein function. Computational splicing tools suggest that this variant may not impact RNA splicing. To our knowledge, functional assays have not been performed for this variant nor has this variant been reported in individuals affected with cardiovascular disorders in the literature. This variant has been identified in 1/247292 chromosomes in the general population by the Genome Aggregation Database (gnomAD). Available evidence is insufficient to determine the role of this variant in disease conclusively. Therefore, this variant is classified as a Variant of Uncertain Significance.

This study involves interpretation of variants in research participants for the purpose of population health screening. Participant phenotype was not available at the time of variant classification. Additional details can be found in publication PMID: 35346344, PMCID: PMC8962531

Labcorp Genetics (formerly Invitae), Labcorp
Classification: Uncertain significance for Catecholaminergic polymorphic ventricular tachycardia 1. Last evaluated: 2022-02-24. Review status: criteria provided, single submitter. Criteria: Invitae Variant Classification Sherloc (09022015). Collection method: clinical testing. Allele origin: germline.
Comment: Advanced modeling of protein sequence and biophysical properties (such as structural, functional, and spatial information, amino acid conservation, physicochemical variation, residue mobility, and thermodynamic stability) performed at Invitae indicates that this missense variant is not expected to disrupt RYR2 protein function. ClinVar contains an entry for this variant (Variation ID: 925065). This variant has not been reported in the literature in individuals affected with RYR2-related conditions. This variant is present in population databases (no rsID available, gnomAD 0.0009%). This sequence change replaces methionine, which is neutral and non-polar, with valine, which is neutral and non-polar, at codon 1487 of the RYR2 protein (p.Met1487Val). In summary, the available evidence is currently insufficient to determine the role of this variant in disease. Therefore, it has been classified as a Variant of Uncertain Significance.